The following is an entry in ClinVar:

NM_001709.5(BDNF):c.715T>G (p.Cys239Gly)

Genes: BDNF (brain derived neurotrophic factor; minus strand), BDNF-AS (BDNF antisense RNA; plus strand). Cytogenetic location: 11p14.1.
Variant type: single nucleotide variant.
Coding change: c.715T>G on transcript NM_001709.5 (MANE Select); coding-DNA position 715, T replaced by G.
Protein change: p.Cys239Gly; replaces cysteine 239 with glycine.
Molecular consequence: missense variant.
Genome position (GRCh38, 1-based): chr11:27,657,850, A>C on the plus strand (T>G on the coding strand, the complement: BDNF is on the minus strand). VCF-style: chr11-27657850-A-C. GRCh37 (hg19) VCF-style: chr11-27679397-A-C.
Other names: c.715T>G, p.Cys239Gly (NM_001143805.1, NM_001143806.1, NM_001143807.2 and 9 more transcripts); c.802T>G, p.Cys268Gly (NM_001143809.2); c.961T>G, p.Cys321Gly (NM_001143810.2); c.739T>G, p.Cys247Gly (NM_170731.5); c.760T>G, p.Cys254Gly (NM_170734.4); short protein forms C239G, C247G, C254G, C268G, C321G.
Identifiers: ClinVar variation 3344608 (VCV003344608.1).

ClinVar aggregate classification (germline): Uncertain significance (0 of 4 stars; one submission).

Conditions:
BDNF-related disorder. Also called: BDNF-related condition.

Submission:

PreventionGenetics, part of Exact Sciences
Classification: Uncertain significance for BDNF-related condition. Last evaluated: 2024-06-10. Review status: no assertion criteria provided. Collection method: clinical testing. Allele origin: germline.
Comment: The BDNF c.961T>G variant is predicted to result in the amino acid substitution p.Cys321Gly. To our knowledge, this variant has not been reported in the literature or in a large population database, indicating this variant is rare. At this time, the clinical significance of this variant is uncertain due to the absence of conclusive functional and genetic evidence.